The following is an entry in ClinVar:

ClinVar aggregate classification (germline): Likely benign. Review status: criteria provided, single submitter (1 of 4 stars). 2 submissions from 2 submitters: Likely benign (1). 1 of the submissions does not count toward it. Last evaluated 2026-01-19.

Conditions:
SLC26A3-related disorder. Also called: SLC26A3-related condition.

Allele frequency attached by ClinVar (database versions not stated): gnomAD 0.00004 and 0.00005; gnomAD exomes 0.00004 and 0.00012; ExAC 0.00009; TOPMed 0.00009; 1000 Genomes Project 30x 0.00016; 1000 Genomes Project 0.00020.
gnomAD v4.1: 64 of 1,614,124 alleles (0.004%); highest among the groups gnomAD compares: East Asian, 0.14%; no homozygotes.

Submissions (2):

Labcorp Genetics (formerly Invitae), Labcorp
Classification: Likely benign. Last evaluated: 2026-01-19. Review status: criteria provided, single submitter. Criteria: Invitae Variant Classification Sherloc (09022015). Collection method: clinical testing. Allele origin: germline.

PreventionGenetics, part of Exact Sciences
Classification: Likely benign for SLC26A3-related condition. Last evaluated: 2019-09-10. Review status: no assertion criteria provided. Collection method: clinical testing. Allele origin: germline. Not counted in ClinVar's aggregate classification.
Comment: This variant is classified as likely benign based on ACMG/AMP sequence variant interpretation guidelines (Richards et al. 2015 PMID: 25741868, with internal and published modifications).

NM_000111.3(SLC26A3):c.1905T>C (p.Leu635=)

Gene: SLC26A3 (solute carrier family 26 member 3; minus strand). Cytogenetic location: 7q22.3.
Variant type: single nucleotide variant.
Coding change: c.1905T>C on transcript NM_000111.3 (MANE Select); coding-DNA position 1905, T replaced by C.
Protein change: p.Leu635=; no amino-acid change (leucine 635 retained).
Molecular consequence: synonymous variant.
Genome position (GRCh38, 1-based): chr7:107,774,022, A>G on the plus strand (T>C on the coding strand, the complement: SLC26A3 is on the minus strand). VCF-style: chr7-107774022-A-G. GRCh37 (hg19) VCF-style: chr7-107414467-A-G.
Other names: c.1905T>C (NM_000111.2).
Identifiers: ClinVar variation 1534568 (VCV001534568.10), dbSNP rs202216109, ClinGen allele CA4433658.